The following is an entry in ClinVar:

NM_003998.4(NFKB1):c.2716C>A (p.Pro906Thr)

Gene: NFKB1 (nuclear factor kappa B subunit 1; plus strand). Cytogenetic location: 4q24.
Variant type: single nucleotide variant.
Coding change: c.2716C>A on transcript NM_003998.4 (MANE Select); coding-DNA position 2716, C replaced by A.
Protein change: p.Pro906Thr; replaces proline 906 with threonine.
Molecular consequence: missense variant.
Genome position (GRCh38, 1-based): chr4:102,613,548, C>A. VCF-style: chr4-102613548-C-A. GRCh37 (hg19) VCF-style: chr4-103534705-C-A.
Other names: c.2713C>A, p.Pro905Thr (NM_001165412.2, NM_001319226.2, NM_001382627.1); c.2716C>A, p.Pro906Thr (NM_001382625.1, NM_001382626.1); c.2674C>A, p.Pro892Thr (NM_001382628.1); short protein forms P892T, P906T, P905T.
Identifiers: ClinVar variation 4722638 (VCV004722638.1).

ClinVar aggregate classification (germline): Uncertain significance (1 of 4 stars; one submission).

Submission:

Labcorp Genetics (formerly Invitae), Labcorp
Classification: Uncertain significance. Last evaluated: 2025-07-03. Review status: criteria provided, single submitter. Criteria: Invitae Variant Classification Sherloc (09022015). Collection method: clinical testing. Allele origin: germline.
Comment: This sequence change replaces proline, which is neutral and non-polar, with threonine, which is neutral and polar, at codon 906 of the NFKB1 protein (p.Pro906Thr). This variant is not present in population databases (gnomAD no frequency). This variant has not been reported in the literature in individuals affected with NFKB1-related conditions. An algorithm developed to predict the effect of missense changes on protein structure and function (PolyPhen-2) suggests that this variant is likely to be tolerated. In summary, the available evidence is currently insufficient to determine the role of this variant in disease. Therefore, it has been classified as a Variant of Uncertain Significance.